The following is an entry in ClinVar:

ClinVar aggregate classification (germline): Conflicting classifications of pathogenicity. Review status: criteria provided, conflicting classifications (1 of 4 stars). 5 submissions from 5 submitters: Uncertain significance (1); Likely benign (4). Last evaluated 2026-04-01.

Conditions:
TOPORS-related disorder. Also called: TOPORS-related condition.
Retinitis pigmentosa (RP). Identifiers: Orphanet 791, MedGen C0035334, MeSH D012174, MONDO:0019200, OMIM 268000. Inheritance: Autosomal dominant, autosomal recessive and X linked inheritance.

Allele frequency attached by ClinVar (database versions not stated): ExAC 0.00002; TOPMed 0.00005; gnomAD 0.00007 and 0.00008; gnomAD exomes 0.00007 and 0.00011; ESP Exome Variant Server 0.00015.
gnomAD v4.1: 175 of 1,613,862 alleles (0.011%); highest among the groups gnomAD compares: Non-Finnish European, 0.014%; no homozygotes.

Submissions (5):

CeGaT Center for Human Genetics Tuebingen
Classification: Likely benign. Last evaluated: 2026-04-01. Review status: criteria provided, single submitter. Criteria: CeGaT Center For Human Genetics Tuebingen Variant Classification Criteria Version 2. Collection method: clinical testing. Allele origin: germline. Affected: yes. Observed: 1 variant allele.
Comment: TOPORS: BP4, BP7

PreventionGenetics, part of Exact Sciences
Classification: Likely benign for TOPORS-related condition. Last evaluated: 2025-04-28. Review status: criteria provided, single submitter. Criteria: ACMG Guidelines, 2015. Collection method: clinical testing. Allele origin: germline.
Comment: This variant is classified as likely benign based on ACMG/AMP sequence variant interpretation guidelines (Richards et al. 2015 PMID: 25741868, with internal and published modifications).

Labcorp Genetics (formerly Invitae), Labcorp
Classification: Likely benign. Last evaluated: 2025-03-17. Review status: criteria provided, single submitter. Criteria: Invitae Variant Classification Sherloc (09022015). Collection method: clinical testing. Allele origin: germline.

Blueprint Genetics
Classification: Likely benign. Last evaluated: 2024-11-25. Review status: criteria provided, single submitter. Criteria: ACMG Guidelines, 2015. Collection method: clinical testing. Allele origin: germline.

Illumina Laboratory Services, Illumina
Classification: Uncertain significance for Retinitis pigmentosa. Last evaluated: 2018-01-12. Review status: criteria provided, single submitter. Criteria: ICSL Variant Classification Criteria 13 December 2019. Collection method: clinical testing. Allele origin: germline.

NM_005802.5(TOPORS):c.360A>G (p.Leu120=)

Gene: TOPORS (TOP1 binding arginine/serine rich protein, E3 ubiquitin ligase; minus strand). Cytogenetic location: 9p21.1.
Variant type: single nucleotide variant.
Coding change: c.360A>G on transcript NM_005802.5 (MANE Select); coding-DNA position 360, A replaced by G.
Protein change: p.Leu120=; no amino-acid change (leucine 120 retained).
Molecular consequence: synonymous variant.
Genome position (GRCh38, 1-based): chr9:32,544,165, T>C on the plus strand (A>G on the coding strand, the complement: TOPORS is on the minus strand). VCF-style: chr9-32544165-T-C. GRCh37 (hg19) VCF-style: chr9-32544163-T-C.
Other names: c.165A>G, p.Leu55= (NM_001195622.2).
Identifiers: ClinVar variation 913837 (VCV000913837.16), dbSNP rs147302494, ClinGen allele CA5020657.